The following is an entry in ClinVar:

ClinVar aggregate classification (germline): Conflicting classifications of pathogenicity. Review status: criteria provided, conflicting classifications (1 of 4 stars). 2 submissions from 2 submitters: Likely pathogenic (1); Uncertain significance (1). Last evaluated 2025-06-04.

Conditions:
Inborn genetic diseases. Identifiers: MedGen C0950123, MeSH D030342.

Allele frequency attached by ClinVar (database versions not stated): ExAC 0.00001.

Submissions (2):

Labcorp Genetics (formerly Invitae), Labcorp
Classification: Uncertain significance. Last evaluated: 2025-06-04. Review status: criteria provided, single submitter. Criteria: Invitae Variant Classification Sherloc (09022015). Collection method: clinical testing. Allele origin: germline.
Comment: This sequence change falls in intron 52 of the COL11A1 gene. It does not directly change the encoded amino acid sequence of the COL11A1 protein. It affects a nucleotide within the consensus splice site. The frequency data for this variant in the population databases is considered unreliable, as metrics indicate poor data quality at this position in the gnomAD database. This variant has been observed in individual(s) with Stickler syndrome (internal data). ClinVar contains an entry for this variant (Variation ID: 2833667). Variants that disrupt the consensus splice site are a relatively common cause of aberrant splicing (PMID: 17576681, 9536098). Algorithms developed to predict the effect of sequence changes on RNA splicing suggest that this variant may disrupt the consensus splice site. In summary, the available evidence is currently insufficient to determine the role of this variant in disease. Therefore, it has been classified as a Variant of Uncertain Significance.

Ambry Genetics
Classification: Likely pathogenic for Inborn genetic diseases. Last evaluated: 2024-09-09. Review status: criteria provided, single submitter. Criteria: Ambry Variant Classification Scheme 2023. Collection method: clinical testing. Allele origin: germline.
Comment: The c.3978+5G>A intronic alteration consists of a G to A substitution 5 nucleotides after coding exon 52 in the COL11A1 gene. This allele was reported in one heterozygous individual in population-based cohorts in the Genome Aggregation Database (gnomAD). This nucleotide position is highly conserved in available vertebrate species. In silico splice site analysis predicts that this alteration will weaken the native splice donor site. Based on the available evidence, this alteration is classified as likely pathogenic.

Literature cited by the submitters: PubMed 17576681 (cited by Labcorp Genetics (formerly Invitae), Labcorp); PubMed 9536098 (cited by Labcorp Genetics (formerly Invitae), Labcorp).

NM_001854.4(COL11A1):c.3978+5G>A

Gene: COL11A1 (collagen type XI alpha 1 chain; minus strand). Cytogenetic location: 1p21.1.
Variant type: single nucleotide variant.
Coding change: c.3978+5G>A on transcript NM_001854.4 (MANE Select); 5 bases into the intron after coding-DNA position 3978, G replaced by A.
Molecular consequence: intron variant.
Genome position (GRCh38, 1-based): chr1:102,914,347, C>T on the plus strand (G>A on the coding strand, the complement: COL11A1 is on the minus strand). VCF-style: chr1-102914347-C-T. GRCh37 (hg19) VCF-style: chr1-103379903-C-T.
Other names: c.3978+5G>A (NM_001854.3); c.3861+5G>A (NM_001190709.2); c.4014+5G>A (NM_080629.3); c.3630+5G>A (NM_080630.4).
Identifiers: ClinVar variation 2833667 (VCV002833667.4), dbSNP rs759455459, ClinGen allele CA973747.